The following is an entry in ClinVar:

NM_001008537.3(NEXMIF):c.1773G>T (p.Lys591Asn)

Gene: NEXMIF (neurite extension and migration factor; minus strand). Cytogenetic location: Xq13.3.
Variant type: single nucleotide variant.
Coding change: c.1773G>T on transcript NM_001008537.3 (MANE Select); coding-DNA position 1773, G replaced by T.
Protein change: p.Lys591Asn; replaces lysine 591 with asparagine.
Molecular consequence: missense variant.
Genome position (GRCh38, 1-based): chrX:74,742,784, C>A on the plus strand (G>T on the coding strand, the complement: NEXMIF is on the minus strand). VCF-style: chrX-74742784-C-A. GRCh37 (hg19) VCF-style: chrX-73962619-C-A.
Other names: short protein forms K591N.
Identifiers: ClinVar variation 4759705 (VCV004759705.1).
Genomic context (GRCh38, chrX:74,742,784, plus strand): 5'-GCTTTGCTTTTGGGAAAAAGGTGTCTTGATGGAGTCCGTGTTGGTGTTTCTCTGCTTCTT[C>A]TTCTTTTGCCAGAAGCCTTTCAAGGGTGCCAGCTTGGCATATTTGTTGAGCTGATTCTCA-3'
Protein context (NP_001008537.1, residues 581-601): LAPLKGFWQK[Lys591Asn]KKQRNTNTDS

ClinVar aggregate classification (germline): Uncertain significance (1 of 4 stars; one submission).

gnomAD v4.1: 5 of 1,211,239 alleles (0.00041%); highest among the groups gnomAD compares: South Asian, 0.0053%; no homozygotes.

Submission:

Labcorp Genetics (formerly Invitae), Labcorp
Classification: Uncertain significance. Last evaluated: 2025-04-13. Review status: criteria provided, single submitter. Criteria: Invitae Variant Classification Sherloc (09022015). Collection method: clinical testing. Allele origin: germline.
Comment: This sequence change replaces lysine, which is basic and polar, with asparagine, which is neutral and polar, at codon 591 of the NEXMIF protein (p.Lys591Asn). This variant is present in population databases (no rsID available, gnomAD 0.005%), including at least one homozygous and/or hemizygous individual. This variant has not been reported in the literature in individuals affected with NEXMIF-related conditions. An algorithm developed to predict the effect of missense changes on protein structure and function (PolyPhen-2) suggests that this variant is likely to be tolerated. In summary, the available evidence is currently insufficient to determine the role of this variant in disease. Therefore, it has been classified as a Variant of Uncertain Significance.